The following is an entry in ClinVar:

NM_020765.3(UBR4):c.4765-7C>T

Gene: UBR4 (ubiquitin protein ligase E3 component n-recognin 4; minus strand). Cytogenetic location: 1p36.13.
Variant type: single nucleotide variant.
Coding change: c.4765-7C>T on transcript NM_020765.3 (MANE Select); 7 bases into the intron before coding-DNA position 4765, C replaced by T.
Molecular consequence: intron variant.
Genome position (GRCh38, 1-based): chr1:19,162,618, G>A on the plus strand (C>T on the coding strand, the complement: UBR4 is on the minus strand). VCF-style: chr1-19162618-G-A. GRCh37 (hg19) VCF-style: chr1-19489112-G-A.
Identifiers: ClinVar variation 728383 (VCV000728383.6), dbSNP rs74056769, ClinGen allele CA650725.

ClinVar aggregate classification (germline): Benign. Review status: criteria provided, single submitter (1 of 4 stars). 2 submissions from 2 submitters: Benign (1). 1 of the submissions does not count toward it. Last evaluated 2019-12-31.

Conditions:
UBR4-related disorder. Also called: UBR4-related condition.

Allele frequency attached by ClinVar (database versions not stated): gnomAD exomes 0.00240; ExAC 0.00314; gnomAD 0.01012 and 0.01094; ESP Exome Variant Server 0.01053; TOPMed 0.01134; 1000 Genomes Project 0.01158; 1000 Genomes Project 30x 0.01202.
gnomAD v4.1: 2,979 of 1,603,898 alleles (0.19%); highest among the groups gnomAD compares: African/African-American, 3.5%; 43 homozygotes.

Submissions (2):

Labcorp Genetics (formerly Invitae), Labcorp
Classification: Benign. Last evaluated: 2019-12-31. Review status: criteria provided, single submitter. Criteria: Invitae Variant Classification Sherloc (09022015). Collection method: clinical testing. Allele origin: germline.

PreventionGenetics, part of Exact Sciences
Classification: Benign for UBR4-related condition. Last evaluated: 2019-04-01. Review status: no assertion criteria provided. Collection method: clinical testing. Allele origin: germline. Not counted in ClinVar's aggregate classification.
Comment: This variant is classified as benign based on ACMG/AMP sequence variant interpretation guidelines (Richards et al. 2015 PMID: 25741868, with internal and published modifications).